The following is an entry in ClinVar:

NM_001372044.2(SHANK3):c.4410C>T (p.Thr1470=)

Gene: SHANK3 (SH3 and multiple ankyrin repeat domains 3; plus strand). Cytogenetic location: 22q13.33.
Variant type: single nucleotide variant.
Coding change: c.4410C>T on transcript NM_001372044.2 (MANE Select); coding-DNA position 4410, C replaced by T.
Protein change: p.Thr1470=; no amino-acid change (threonine 1470 retained).
Molecular consequence: synonymous variant.
Genome position (GRCh38, 1-based): chr22:50,722,018, C>T. VCF-style: chr22-50722018-C-T. GRCh37 (hg19) VCF-style: chr22-51160446-C-T.
Other names: c.4185C>T (NM_033517.1).
Identifiers: ClinVar variation 1263051 (VCV001263051.33), dbSNP rs376136109, ClinGen allele CA10326218.

ClinVar aggregate classification (germline): Benign/Likely benign. Review status: criteria provided, multiple submitters, no conflicts (2 of 4 stars). 5 submissions from 5 submitters: Benign (2); Likely benign (3). Last evaluated 2024-04-01.

Conditions:
Inborn genetic diseases. Identifiers: MedGen C0950123, MeSH D030342.

Allele frequency attached by ClinVar (database versions not stated): ExAC 0.00031; 1000 Genomes Project 30x 0.00062; 1000 Genomes Project 0.00080; gnomAD 0.00088 and 0.00094; TOPMed 0.00090; ESP Exome Variant Server 0.00094.

Submissions (5):

CeGaT Center for Human Genetics Tuebingen
Classification: Likely benign. Last evaluated: 2024-04-01. Review status: criteria provided, single submitter. Criteria: CeGaT Center For Human Genetics Tuebingen Variant Classification Criteria Version 2. Collection method: clinical testing. Allele origin: germline. Affected: yes. Observed: 2 variant alleles.
Comment: SHANK3: BP4, BP7, BS1

Blueprint Genetics
Classification: Likely benign. Last evaluated: 2023-11-13. Review status: criteria provided, single submitter. Criteria: ACMG Guidelines, 2015. Collection method: clinical testing. Allele origin: germline.

GeneDx
Classification: Benign. Last evaluated: 2020-02-03. Review status: criteria provided, single submitter. Criteria: GeneDx Variant Classification Process June 2021. Collection method: clinical testing. Allele origin: germline. Affected: yes.

Ambry Genetics
Classification: Likely benign for Inborn genetic diseases. Last evaluated: 2018-02-08. Review status: criteria provided, single submitter. Criteria: Ambry Variant Classification Scheme 2023. Collection method: clinical testing. Allele origin: germline.

Breakthrough Genomics
Classification: Benign. Review status: criteria provided, single submitter. Criteria: ACMG Guidelines, 2015. Collection method: not provided. Allele origin: germline. Inheritance: Autosomal dominant inheritance. Affected: yes.